The following is an entry in ClinVar:

NM_006218.4(PIK3CA):c.2371G>T (p.Glu791Ter)

Gene: PIK3CA (phosphatidylinositol-4,5-bisphosphate 3-kinase catalytic subunit alpha; plus strand). Cytogenetic location: 3q26.32.
Variant type: single nucleotide variant.
Coding change: c.2371G>T on transcript NM_006218.4 (MANE Select); coding-DNA position 2371, G replaced by T.
Protein change: p.Glu791Ter; replaces glutamic acid 791 with a stop codon.
Molecular consequence: nonsense.
Genome position (GRCh38, 1-based): chr3:179,224,776, G>T. VCF-style: chr3-179224776-G-T. GRCh37 (hg19) VCF-style: chr3-178942564-G-T.
Other names: c.2371G>T (LRG_310t1); short protein forms E791*.
Identifiers: ClinVar variation 403914 (VCV000403914.9), dbSNP rs1060500030, ClinGen allele CA16611388.

ClinVar aggregate classification (germline): Uncertain significance (1 of 4 stars; one submission).

Conditions:
Cowden syndrome (CS). Also called: Cowden's disease; Cowden's syndrome; Cowden disease. Identifiers: Orphanet 201, MedGen C0018553, MONDO:0016063. Disease mechanism: gain of function.

Submission:

Labcorp Genetics (formerly Invitae), Labcorp
Classification: Uncertain significance for Cowden syndrome. Last evaluated: 2016-07-01. Review status: criteria provided, single submitter. Criteria: Invitae Variant Classification Sherloc (09022015). Collection method: clinical testing. Allele origin: germline.
Comment: The current clinical and genetic evidence is not sufficient to establish whether loss-of-function variants in PIK3CA cause disease. Therefore, this variant has been classified as a Variant of Uncertain Significance. This variant is not present in population databases (ExAC no frequency) and has not been reported in the literature in individuals with a PIK3CA-related disease. This sequence change creates a premature translational stop signal at codon 791 (p.Glu791*) of the PIK3CA gene. It is expected to result in an absent or disrupted protein product.